The following is an entry in ClinVar:

NM_021961.6(TEAD1):c.718G>A (p.Val240Met)

Gene: TEAD1 (TEA domain transcription factor 1; plus strand). Cytogenetic location: 11p15.3.
Variant type: single nucleotide variant.
Coding change: c.718G>A on transcript NM_021961.6 (MANE Select); coding-DNA position 718, G replaced by A.
Protein change: p.Val240Met; replaces valine 240 with methionine.
Molecular consequence: missense variant.
Genome position (GRCh38, 1-based): chr11:12,901,958, G>A. VCF-style: chr11-12901958-G-A. GRCh37 (hg19) VCF-style: chr11-12923505-G-A.
Other names: short protein forms V240M.
Identifiers: ClinVar variation 2090757 (VCV002090757.4), dbSNP rs1463561184, ClinGen allele CA379714400.

ClinVar aggregate classification (germline): Uncertain significance (1 of 4 stars; one submission).

Allele frequency attached by ClinVar (database versions not stated): gnomAD exomes below 0.00001; gnomAD 0.00001; TOPMed 0.00001.
gnomAD v4.1: 9 of 1,613,996 alleles (0.00056%); highest among the groups gnomAD compares: Admixed American, 0.0017%; no homozygotes.

Submission:

Labcorp Genetics (formerly Invitae), Labcorp
Classification: Uncertain significance. Last evaluated: 2022-01-28. Review status: criteria provided, single submitter. Criteria: Invitae Variant Classification Sherloc (09022015). Collection method: clinical testing. Allele origin: germline.
Comment: This sequence change replaces valine, which is neutral and non-polar, with methionine, which is neutral and non-polar, at codon 240 of the TEAD1 protein (p.Val240Met). This variant is present in population databases (no rsID available, gnomAD 0.003%). This variant has not been reported in the literature in individuals affected with TEAD1-related conditions. Algorithms developed to predict the effect of missense changes on protein structure and function are either unavailable or do not agree on the potential impact of this missense change (SIFT: "Deleterious"; PolyPhen-2: "Probably Damaging"; Align-GVGD: "Class C0"). In summary, the available evidence is currently insufficient to determine the role of this variant in disease. Therefore, it has been classified as a Variant of Uncertain Significance.